The following is an entry in ClinVar:

NM_001267550.2(TTN):c.50163T>G (p.Tyr16721Ter)

Genes: TTN (titin; minus strand), TTN-AS1 (TTN antisense RNA 1; plus strand). Cytogenetic location: 2q31.2.
Variant type: single nucleotide variant.
Coding change: c.50163T>G on transcript NM_001267550.2 (MANE Select); coding-DNA position 50163, T replaced by G.
Protein change: p.Tyr16721Ter; replaces tyrosine 16721 with a stop codon.
Molecular consequence: nonsense.
Genome position (GRCh38, 1-based): chr2:178,612,362, A>C on the plus strand (T>G on the coding strand, the complement: TTN is on the minus strand). VCF-style: chr2-178612362-A-C. GRCh37 (hg19) VCF-style: chr2-179477089-A-C.
Other names: c.45240T>G, p.Tyr15080Ter (NM_001256850.1); c.22968T>G, p.Tyr7656Ter (NM_003319.4); c.42459T>G, p.Tyr14153Ter (NM_133378.4); c.23343T>G, p.Tyr7781Ter (NM_133432.3); c.23544T>G, p.Tyr7848Ter (NM_133437.4); short protein forms Y16721*, Y7848*, Y7656*, Y14153*, Y15080*, Y7781*.
Identifiers: ClinVar variation 2115058 (VCV002115058.4), dbSNP rs2470536930, ClinGen allele CA349598721.

ClinVar aggregate classification (germline): Likely pathogenic (1 of 4 stars; one submission).

Conditions:
Dilated cardiomyopathy 1G (CMD1G). Identifiers: Orphanet 154, MedGen C1858763, MONDO:0011400, OMIM 604145.
Autosomal recessive limb-girdle muscular dystrophy type 2J (LGMDR10). Also called: Limb-girdle muscular dystrophy, type 2J; MUSCULAR DYSTROPHY, LIMB-GIRDLE, AUTOSOMAL RECESSIVE 10. Identifiers: Orphanet 140922, MedGen C1837342, MONDO:0012127, OMIM 608807.

Submission:

Labcorp Genetics (formerly Invitae), Labcorp
Classification: Likely pathogenic for Dilated cardiomyopathy 1G; Autosomal recessive limb-girdle muscular dystrophy type 2J. Last evaluated: 2025-03-12. Review status: criteria provided, single submitter. Criteria: Invitae Variant Classification Sherloc (09022015). Collection method: clinical testing. Allele origin: germline.
Comment: This sequence change creates a premature translational stop signal (p.Tyr16721*) in the TTN gene. While this is not anticipated to result in nonsense mediated decay, it is expected to create a truncated TTN protein. This variant is not present in population databases (gnomAD no frequency). This variant has not been reported in the literature in individuals affected with TTN-related conditions. ClinVar contains an entry for this variant (Variation ID: 2115058). This variant is located in the A band of TTN (PMID: 25589632). Truncating variants in this region are significantly overrepresented in patients affected with dilated cardiomyopathy (PMID: 25589632). Truncating variants in this region have also been reported in individuals affected with autosomal recessive centronuclear myopathy (PMID: 23975875). In summary, the currently available evidence indicates that the variant is pathogenic, but additional data are needed to prove that conclusively. Therefore, this variant has been classified as Likely Pathogenic.

Literature cited by the submitters: PubMed 25589632; PubMed 23975875.